The following is an entry in ClinVar:

NM_014633.5(CTR9):c.3487A>G (p.Arg1163Gly)

Gene: CTR9 (CTR9 component of Paf1/RNA polymerase II complex; plus strand). Cytogenetic location: 11p15.4.
Variant type: single nucleotide variant.
Coding change: c.3487A>G on transcript NM_014633.5 (MANE Select); coding-DNA position 3487, A replaced by G.
Protein change: p.Arg1163Gly; replaces arginine 1163 with glycine.
Molecular consequence: missense variant.
Genome position (GRCh38, 1-based): chr11:10,779,070, A>G. VCF-style: chr11-10779070-A-G. GRCh37 (hg19) VCF-style: chr11-10800617-A-G.
Other names: c.3415A>G, p.Arg1139Gly (NM_001346279.2); c.3487A>G (NM_014633.3); short protein forms R1139G, R1163G.
Identifiers: ClinVar variation 1001897 (VCV001001897.7), dbSNP rs150093532, ClinGen allele CA5885603.

ClinVar aggregate classification (germline): Uncertain significance. Review status: criteria provided, multiple submitters, no conflicts (2 of 4 stars). 2 submissions from 2 submitters: Uncertain significance (2). Last evaluated 2025-06-09.

Conditions:
Inborn genetic diseases. Identifiers: MedGen C0950123, MeSH D030342.

Allele frequency attached by ClinVar (database versions not stated): gnomAD exomes 0.00001 and 0.00005; ExAC 0.00002; TOPMed 0.00005; gnomAD 0.00007; ESP Exome Variant Server 0.00008.
gnomAD v4.1: 87 of 1,614,020 alleles (0.0054%); highest among the groups gnomAD compares: Non-Finnish European, 0.007%; no homozygotes.

Submissions (2):

Labcorp Genetics (formerly Invitae), Labcorp
Classification: Uncertain significance. Last evaluated: 2025-06-09. Review status: criteria provided, single submitter. Criteria: Invitae Variant Classification Sherloc (09022015). Collection method: clinical testing. Allele origin: germline.
Comment: This sequence change replaces arginine, which is basic and polar, with glycine, which is neutral and non-polar, at codon 1163 of the CTR9 protein (p.Arg1163Gly). This variant is present in population databases (rs150093532, gnomAD 0.004%). This variant has not been reported in the literature in individuals affected with CTR9-related conditions. ClinVar contains an entry for this variant (Variation ID: 1001897). An algorithm developed to predict the effect of missense changes on protein structure and function (PolyPhen-2) suggests that this variant is likely to be tolerated. In summary, the available evidence is currently insufficient to determine the role of this variant in disease. Therefore, it has been classified as a Variant of Uncertain Significance.

Ambry Genetics
Classification: Uncertain significance for Inborn genetic diseases. Last evaluated: 2024-01-30. Review status: criteria provided, single submitter. Criteria: Ambry Variant Classification Scheme 2023. Collection method: clinical testing. Allele origin: germline.